The following is an entry in ClinVar:

ClinVar aggregate classification (germline): Likely benign. Review status: criteria provided, multiple submitters, no conflicts (2 of 4 stars). 3 submissions from 3 submitters: Likely benign (2). 1 of the submissions does not count toward it. Last evaluated 2023-08-07.

Conditions:
DNAJC3-related disorder. Also called: DNAJC3-related condition.

Allele frequency attached by ClinVar (database versions not stated): gnomAD exomes 0.00016 and 0.00018; ExAC 0.00018; ESP Exome Variant Server 0.00031; gnomAD 0.00054; TOPMed 0.00056; 1000 Genomes Project 0.00060; 1000 Genomes Project 30x 0.00078.
gnomAD v4.1: 343 of 1,612,122 alleles (0.021%); highest among the groups gnomAD compares: African/African-American, 0.16%; no homozygotes.

Submissions (3):

Blueprint Genetics
Classification: Likely benign. Last evaluated: 2023-08-07. Review status: criteria provided, single submitter. Criteria: ACMG Guidelines, 2015. Collection method: clinical testing. Allele origin: germline.

Labcorp Genetics (formerly Invitae), Labcorp
Classification: Likely benign. Last evaluated: 2019-12-31. Review status: criteria provided, single submitter. Criteria: Invitae Variant Classification Sherloc (09022015). Collection method: clinical testing. Allele origin: germline.

PreventionGenetics, part of Exact Sciences
Classification: Likely benign for DNAJC3-related condition. Last evaluated: 2020-03-18. Review status: no assertion criteria provided. Collection method: clinical testing. Allele origin: germline. Not counted in ClinVar's aggregate classification.
Comment: This variant is classified as likely benign based on ACMG/AMP sequence variant interpretation guidelines (Richards et al. 2015 PMID: 25741868, with internal and published modifications).

NM_006260.5(DNAJC3):c.297A>G (p.Gln99=)

Gene: DNAJC3 (DnaJ heat shock protein family (Hsp40) member C3; plus strand). Cytogenetic location: 13q32.1.
Variant type: single nucleotide variant.
Coding change: c.297A>G on transcript NM_006260.5 (MANE Select); coding-DNA position 297, A replaced by G.
Protein change: p.Gln99=; no amino-acid change (glutamine 99 retained).
Molecular consequence: synonymous variant.
Genome position (GRCh38, 1-based): chr13:95,723,345, A>G. VCF-style: chr13-95723345-A-G. GRCh37 (hg19) VCF-style: chr13-96375599-A-G.
Identifiers: ClinVar variation 735587 (VCV000735587.7), dbSNP rs147586888, ClinGen allele CA7021231.